The following is an entry in ClinVar:

ClinVar aggregate classification (germline): Benign/Likely benign. Review status: criteria provided, multiple submitters, no conflicts (2 of 4 stars). 3 submissions from 3 submitters: Benign (1); Likely benign (2). Last evaluated 2025-05-02.

Conditions:
Hereditary cancer-predisposing syndrome. Also called: Tumor predisposition; Hereditary Cancer Syndrome; Neoplastic Syndromes, Hereditary; Hereditary neoplastic syndrome. Identifiers: Orphanet 140162, MedGen C0027672, MeSH D009386, MONDO:0015356.
Tuberous sclerosis 2 (TSC2). Identifiers: Orphanet 805, MedGen C1860707, MONDO:0013199, OMIM 613254.

gnomAD v4.1: 1 of 1,614,202 alleles (0.000062%); highest among the groups gnomAD compares: Non-Finnish European, 0.000085%; no homozygotes.

Submissions (3):

Myriad Genetics, Inc.
Classification: Benign for Tuberous sclerosis 2. Last evaluated: 2025-05-02. Review status: criteria provided, single submitter. Criteria: Myriad Autosomal Dominant, Autosomal Recessive and X-Linked Classification Criteria (2023). Collection method: clinical testing. Allele origin: unknown.
Comment: This variant is considered benign. This variant is a silent/synonymous amino acid change and it is not expected to impact splicing.

Labcorp Genetics (formerly Invitae), Labcorp
Classification: Likely benign for Tuberous sclerosis 2. Last evaluated: 2022-05-13. Review status: criteria provided, single submitter. Criteria: Invitae Variant Classification Sherloc (09022015). Collection method: clinical testing. Allele origin: germline.

Ambry Genetics
Classification: Likely benign for Hereditary cancer-predisposing syndrome. Last evaluated: 2021-02-16. Review status: criteria provided, single submitter. Criteria: Ambry Variant Classification Scheme 2023. Collection method: clinical testing. Allele origin: germline.

NM_000548.5(TSC2):c.357C>T (p.Leu119=)

Gene: TSC2 (TSC complex subunit 2; plus strand). Cytogenetic location: 16p13.3.
Variant type: single nucleotide variant.
Coding change: c.357C>T on transcript NM_000548.5 (MANE Select); coding-DNA position 357, C replaced by T.
Protein change: p.Leu119=; no amino-acid change (leucine 119 retained).
Molecular consequence: synonymous variant. On other transcripts: intron variant (1).
Genome position (GRCh38, 1-based): chr16:2,054,316, C>T. VCF-style: chr16-2054316-C-T. GRCh37 (hg19) VCF-style: chr16-2104317-C-T.
Other names: c.357C>T, p.Leu119= (NM_001077183.3, NM_001114382.3, NM_001363528.2 and 3 more transcripts); c.246C>T, p.Leu82= (NM_001318827.2); c.210C>T, p.Leu70= (NM_001318829.2); c.390C>T, p.Leu130= (NM_001318832.2); c.-1-1880C>T (NM_001318831.2).
Identifiers: ClinVar variation 759744 (VCV000759744.11), dbSNP rs1168763677, ClinGen allele CA492955351.